The following is an entry in ClinVar:

NM_170601.5(SIAE):c.1472A>G (p.Gln491Arg)

Gene: SIAE (sialic acid acetylesterase; minus strand). Cytogenetic location: 11q24.2.
Variant type: single nucleotide variant.
Coding change: c.1472A>G on transcript NM_170601.5 (MANE Select); coding-DNA position 1472, A replaced by G.
Protein change: p.Gln491Arg; replaces glutamine 491 with arginine.
Molecular consequence: missense variant.
Genome position (GRCh38, 1-based): chr11:124,637,051, T>C on the plus strand (A>G on the coding strand, the complement: SIAE is on the minus strand). VCF-style: chr11-124637051-T-C. GRCh37 (hg19) VCF-style: chr11-124506947-T-C.
Other names: c.1367A>G, p.Gln456Arg (NM_001199922.2); short protein forms Q456R, Q491R.
Identifiers: ClinVar variation 1356130 (VCV001356130.6), dbSNP rs200855729, ClinGen allele CA6341165.

ClinVar aggregate classification (germline): Uncertain significance (1 of 4 stars; one submission).

Allele frequency attached by ClinVar (database versions not stated): TOPMed below 0.00001; ExAC 0.00010; gnomAD exomes 0.00013 and 0.00014; gnomAD 0.00014 and 0.00015.
gnomAD v4.1: 101 of 1,614,030 alleles (0.0063%); highest among the groups gnomAD compares: African/African-American, 0.0013%; no homozygotes.

Submission:

Labcorp Genetics (formerly Invitae), Labcorp
Classification: Uncertain significance. Last evaluated: 2023-08-04. Review status: criteria provided, single submitter. Criteria: Invitae Variant Classification Sherloc (09022015). Collection method: clinical testing. Allele origin: germline.
Comment: This variant is present in population databases (rs200855729, gnomAD 0.2%), and has an allele count higher than expected for a pathogenic variant. This sequence change replaces glutamine, which is neutral and polar, with arginine, which is basic and polar, at codon 491 of the SIAE protein (p.Gln491Arg). This variant has not been reported in the literature in individuals affected with SIAE-related conditions. ClinVar contains an entry for this variant (Variation ID: 1356130). Algorithms developed to predict the effect of missense changes on protein structure and function output the following: SIFT: "Not Available"; PolyPhen-2: "Benign"; Align-GVGD: "Not Available". The arginine amino acid residue is found in multiple mammalian species, which suggests that this missense change does not adversely affect protein function. In summary, the available evidence is currently insufficient to determine the role of this variant in disease. Therefore, it has been classified as a Variant of Uncertain Significance.